The following is an entry in ClinVar:

ClinVar aggregate classification (germline): Uncertain significance (1 of 4 stars; one submission).

Allele frequency attached by ClinVar (database versions not stated): gnomAD 0.00001; TOPMed 0.00001.
gnomAD v4.1: 2 of 1,614,052 alleles (0.00012%); highest among the groups gnomAD compares: African/African-American, 0.0013%; no homozygotes.

Submission:

Ambry Genetics
Classification: Uncertain significance. Last evaluated: 2023-12-15. Review status: criteria provided, single submitter. Criteria: Ambry Variant Classification Scheme 2023. Collection method: clinical testing. Allele origin: germline.
Comment: The p.T635I variant (also known as c.1904C>T), located in coding exon 9 of the PALLD gene, results from a C to T substitution at nucleotide position 1904. The threonine at codon 635 is replaced by isoleucine, an amino acid with similar properties. This amino acid position is conserved. In addition, this alteration is predicted to be tolerated by in silico analysis. Since supporting evidence is limited at this time, the clinical significance of this alteration remains unclear.

NM_001166108.2(PALLD):c.1904C>T (p.Thr635Ile)

Gene: PALLD (palladin, cytoskeletal associated protein; plus strand). Cytogenetic location: 4q32.3.
Variant type: single nucleotide variant.
Coding change: c.1904C>T on transcript NM_001166108.2 (MANE Select); coding-DNA position 1904, C replaced by T.
Protein change: p.Thr635Ile; replaces threonine 635 with isoleucine.
Molecular consequence: missense variant.
Genome position (GRCh38, 1-based): chr4:168,711,863, C>T. VCF-style: chr4-168711863-C-T. GRCh37 (hg19) VCF-style: chr4-169633014-C-T.
Other names: c.758C>T, p.Thr253Ile (NM_001166109.2); c.1904C>T, p.Thr635Ile (NM_016081.4); short protein forms T635I, T253I.
Identifiers: ClinVar variation 1782357 (VCV001782357.2), dbSNP rs1479390388, ClinGen allele CA358798702.